The following is an entry in ClinVar:

NM_005993.5(TBCD):c.2181T>C (p.Asp727=)

Gene: TBCD (tubulin folding cofactor D). Cytogenetic location: 17q25.3.
Variant type: single nucleotide variant.
Coding change: c.2181T>C on transcript NM_005993.5 (MANE Select); coding-DNA position 2181, T replaced by C.
Protein change: p.Asp727=; no amino-acid change (aspartic acid 727 retained).
Molecular consequence: synonymous variant.
Genome position (GRCh38, 1-based): chr17:82,923,654, T>C. VCF-style: chr17-82923654-T-C. GRCh37 (hg19) VCF-style: chr17-80881530-T-C.
Other names: c.2130T>C, p.Asp710= (NM_001411101.1); c.2100T>C, p.Asp700= (NM_001411102.1).
Identifiers: ClinVar variation 3388721 (VCV003388721.14).

ClinVar aggregate classification (germline): Likely benign (1 of 4 stars; one submission).

gnomAD v4.1: 4 of 1,573,516 alleles (0.00025%); highest among the groups gnomAD compares: Middle Eastern, 0.017%; no homozygotes.

Submission:

CeGaT Center for Human Genetics Tuebingen
Classification: Likely benign. Last evaluated: 2024-11-01. Review status: criteria provided, single submitter. Criteria: CeGaT Center For Human Genetics Tuebingen Variant Classification Criteria Version 2. Collection method: clinical testing. Allele origin: germline. Affected: yes. Observed: 1 variant allele.
Comment: TBCD: BP4, BP7